The following is an entry in ClinVar:

NM_080680.3(COL11A2):c.910G>C (p.Glu304Gln)

Gene: COL11A2 (collagen type XI alpha 2 chain; minus strand). Cytogenetic location: 6p21.32.
Variant type: single nucleotide variant.
Coding change: c.910G>C on transcript NM_080680.3 (MANE Select); coding-DNA position 910, G replaced by C.
Protein change: p.Glu304Gln; replaces glutamic acid 304 with glutamine.
Molecular consequence: missense variant. On other transcripts: intron variant (1).
Genome position (GRCh38, 1-based): chr6:33,185,021, C>G on the plus strand (G>C on the coding strand, the complement: COL11A2 is on the minus strand). VCF-style: chr6-33185021-C-G. GRCh37 (hg19) VCF-style: chr6-33152798-C-G.
Other names: c.910G>C, p.Glu304Gln (NM_001424108.1); c.64G>C, p.Glu22Gln (NM_001424109.1, NM_001424110.1, NM_001424111.1); c.832G>C, p.Glu278Gln (NM_080681.3); c.798+1606G>C (NM_080679.3); short protein forms E278Q, E304Q, E22Q.
Identifiers: ClinVar variation 2735699 (VCV002735699.3), dbSNP rs2535451244, ClinGen allele CA363609461.
Genomic context (GRCh38, chr6:33,185,021, plus strand): 5'-CAGATGGGGTGAGGGTGGGGCATAGAGTTACCTCCTCAAGGGGTGGCAAGAGGCTCGACT[C>G]CAGGATTTCTTCCTCTTCACCTGGGGTGGGGTCCTGACCCCAAGGAGAGAAGGAGAAGAG-3'
Protein context (NP_542411.2, residues 294-314): PTPGEEEEIL[Glu304Gln]SSLLPPLEEE

ClinVar aggregate classification (germline): Uncertain significance (1 of 4 stars; one submission).

Submission:

Labcorp Genetics (formerly Invitae), Labcorp
Classification: Uncertain significance. Last evaluated: 2023-07-03. Review status: criteria provided, single submitter. Criteria: Invitae Variant Classification Sherloc (09022015). Collection method: clinical testing. Allele origin: germline.
Comment: In summary, the available evidence is currently insufficient to determine the role of this variant in disease. Therefore, it has been classified as a Variant of Uncertain Significance. Advanced modeling of protein sequence and biophysical properties (such as structural, functional, and spatial information, amino acid conservation, physicochemical variation, residue mobility, and thermodynamic stability) performed at Invitae indicates that this missense variant is not expected to disrupt COL11A2 protein function. This variant has not been reported in the literature in individuals affected with COL11A2-related conditions. This variant is not present in population databases (gnomAD no frequency). This sequence change replaces glutamic acid, which is acidic and polar, with glutamine, which is neutral and polar, at codon 304 of the COL11A2 protein (p.Glu304Gln).